The following is an entry in ClinVar:

NM_006939.4(SOS2):c.2712A>G (p.Glu904=)

Gene: SOS2 (SOS Ras/Rho guanine nucleotide exchange factor 2; minus strand). Cytogenetic location: 14q21.3.
Variant type: single nucleotide variant.
Coding change: c.2712A>G on transcript NM_006939.4 (MANE Select); coding-DNA position 2712, A replaced by G.
Protein change: p.Glu904=; no amino-acid change (glutamic acid 904 retained).
Molecular consequence: synonymous variant.
Genome position (GRCh38, 1-based): chr14:50,140,015, T>C on the plus strand (A>G on the coding strand, the complement: SOS2 is on the minus strand). VCF-style: chr14-50140015-T-C. GRCh37 (hg19) VCF-style: chr14-50606733-T-C.
Identifiers: ClinVar variation 811274 (VCV000811274.46), dbSNP rs143332839, ClinGen allele CA7176962.

ClinVar aggregate classification (germline): Benign/Likely benign. Review status: criteria provided, multiple submitters, no conflicts (2 of 4 stars). 8 submissions from 8 submitters: Benign (3); Likely benign (5). Last evaluated 2026-01-26.

Conditions:
Cardiovascular phenotype. Identifiers: MedGen CN230736.
Noonan syndrome 9 (NS9). Identifiers: Orphanet 648, MedGen C4225282, MONDO:0014691, OMIM 616559.

Allele frequency attached by ClinVar (database versions not stated): TOPMed 0.00014; gnomAD exomes 0.00017 and 0.00031; gnomAD 0.00019 and 0.00020; ESP Exome Variant Server 0.00023; ExAC 0.00041.
gnomAD v4.1: 266 of 1,607,310 alleles (0.017%); highest among the groups gnomAD compares: Non-Finnish European, 0.021%; no homozygotes.

Submissions (8):

Labcorp Genetics (formerly Invitae), Labcorp
Classification: Benign for Noonan syndrome 9. Last evaluated: 2026-01-26. Review status: criteria provided, single submitter. Criteria: Invitae Variant Classification Sherloc (09022015). Collection method: clinical testing. Allele origin: germline.

CeGaT Center for Human Genetics Tuebingen
Classification: Likely benign. Last evaluated: 2025-12-01. Review status: criteria provided, single submitter. Criteria: CeGaT Center For Human Genetics Tuebingen Variant Classification Criteria Version 2. Collection method: clinical testing. Allele origin: germline. Affected: yes. Observed: 4 variant alleles.
Comment: SOS2: BP4, BP7

Laboratory of Genetics, Children's Clinical University Hospital Latvia
Classification: Likely benign. Last evaluated: 2025-02-16. Review status: criteria provided, single submitter. Criteria: ACMG Guidelines, 2015. Collection method: clinical testing. Allele origin: germline. Affected: yes.

Blueprint Genetics
Classification: Likely benign. Last evaluated: 2024-10-25. Review status: criteria provided, single submitter. Criteria: ACMG Guidelines, 2015. Collection method: clinical testing. Allele origin: germline.

ARUP Laboratories, Molecular Genetics and Genomics, ARUP Laboratories
Classification: Likely benign for Noonan syndrome 9. Last evaluated: 2023-08-23. Review status: criteria provided, single submitter. Criteria: ARUP Molecular Germline Variant Investigation Process 2024. Collection method: clinical testing. Allele origin: germline.

Ambry Genetics
Classification: Likely benign for Cardiovascular phenotype. Last evaluated: 2022-04-11. Review status: criteria provided, single submitter. Criteria: Ambry Variant Classification Scheme 2023. Collection method: clinical testing. Allele origin: germline.

Women's Health and Genetics/Laboratory Corporation of America, LabCorp
Classification: Benign. Last evaluated: 2019-08-24. Review status: criteria provided, single submitter. Criteria: LabCorp Variant Classification Summary - May 2015. Collection method: clinical testing. Allele origin: germline.

Genome-Nilou Lab
Classification: Benign for Noonan syndrome 9. Review status: criteria provided, single submitter. Criteria: ACMG Guidelines, 2015. Collection method: clinical testing. Allele origin: germline.